The following is an entry in ClinVar:

ClinVar aggregate classification (germline): Likely pathogenic. Review status: criteria provided, multiple submitters, no conflicts (2 of 4 stars). 3 submissions from 3 submitters: Likely pathogenic (3). Last evaluated 2026-04-23.

Conditions:
Cardiovascular phenotype. Identifiers: MedGen CN230736.
Dilated cardiomyopathy 1G (CMD1G). Identifiers: Orphanet 154, MedGen C1858763, MONDO:0011400, OMIM 604145.
Autosomal recessive limb-girdle muscular dystrophy type 2J (LGMDR10). Also called: Limb-girdle muscular dystrophy, type 2J; MUSCULAR DYSTROPHY, LIMB-GIRDLE, AUTOSOMAL RECESSIVE 10. Identifiers: Orphanet 140922, MedGen C1837342, MONDO:0012127, OMIM 608807.

Submissions (3):

GeneDx
Classification: Likely pathogenic. Last evaluated: 2026-04-23. Review status: criteria provided, single submitter. Criteria: GeneDx Variant Classification Process June 2021. Collection method: clinical testing. Allele origin: germline.
Comment: Nonsense variant predicted to result in protein truncation or nonsense mediated decay in a gene for which loss of function is a known mechanism of disease; Located in the A-band, a region of TTN for which truncating variants are significantly associated with autosomal dominant cardiomyopathy and also with autosomal recessive skeletal myopathies (PMID: 22335739, 32778822); Identified in a patient from a cohort of patients with suspected non-ischemic cardiomyopathy after syncope or termination of sudden arrhythmic death (PMID: 38254962); Not observed at significant frequency in large population cohorts (gnomAD); This variant is associated with the following publications: (PMID: 22335739, 32778822, 38254962)

Ambry Genetics
Classification: Likely pathogenic for Cardiovascular phenotype. Last evaluated: 2025-03-20. Review status: criteria provided, single submitter. Criteria: Ambry Variant Classification Scheme 2023. Collection method: clinical testing. Allele origin: germline.
Comment: The p.W14313* variant (also known as c.42938G>A), located in coding exon 153 of the TTN gene, results from a G to A substitution at nucleotide position 42938. This changes the amino acid from a tryptophan to a stop codon within coding exon 153. This exon is located in the A-band region of the N2-B isoform of the titin protein and is constitutively expressed in TTN transcripts (percent spliced in or PSI 100%). This variant is expected to result in loss of function by premature protein truncation or nonsense-mediated mRNA decay. While truncating variants in TTN are present in 1-3% of the general population, truncating variants in the A-band are the most common cause of dilated cardiomyopathy (Herman DS et al. N. Engl. J. Med., 2012 Feb;366:619-28; Roberts AM et al. Sci Transl Med, 2015 Jan;7:270ra6). TTN truncating variants encoded in constitutive exons (PSI >90%) have been found to be significantly associated with DCM regardless of their position in titin (Schafer S et al. Nat. Genet., 2017 01;49:46-53; Akhtar MM et al. Circ Heart Fail, 2020 Oct;13:e006832; Massier M et al. Clin Genet, 2025 Jan). This variant is considered to be rare based on population cohorts in the Genome Aggregation Database (gnomAD). Based on the majority of available evidence to date, this variant is likely to be pathogenic.

Labcorp Genetics (formerly Invitae), Labcorp
Classification: Likely pathogenic for Dilated cardiomyopathy 1G; Autosomal recessive limb-girdle muscular dystrophy type 2J. Last evaluated: 2022-05-31. Review status: criteria provided, single submitter. Criteria: Invitae Variant Classification Sherloc (09022015). Collection method: clinical testing. Allele origin: germline.
Comment: This sequence change creates a premature translational stop signal (p.Trp23378*) in the TTN gene. While this is not anticipated to result in nonsense mediated decay, it is expected to create a truncated TTN protein. This variant is not present in population databases (gnomAD no frequency). This variant has not been reported in the literature in individuals affected with TTN-related conditions. This variant is located in the A band of TTN (PMID: 25589632). Truncating variants in this region are significantly overrepresented in patients affected with dilated cardiomyopathy (PMID: 25589632). Truncating variants in this region have also been reported in individuals affected with autosomal recessive centronuclear myopathy (PMID: 23975875). In summary, the currently available evidence indicates that the variant is pathogenic, but additional data are needed to prove that conclusively. Therefore, this variant has been classified as Likely Pathogenic.

Literature cited by the submitters: PubMed 25589632 (cited by Labcorp Genetics (formerly Invitae), Labcorp); PubMed 23975875 (cited by Labcorp Genetics (formerly Invitae), Labcorp).

NM_001267550.2(TTN):c.70133G>A (p.Trp23378Ter)

Genes: TTN (titin; minus strand), TTN-AS1 (TTN antisense RNA 1; plus strand), LOC126806422 (BRD4-independent group 4 enhancer GRCh37_chr2:179440205-179441404; plus strand). Cytogenetic location: 2q31.2.
Variant type: single nucleotide variant.
Coding change: c.70133G>A on transcript NM_001267550.2 (MANE Select); coding-DNA position 70133, G replaced by A.
Protein change: p.Trp23378Ter; replaces tryptophan 23378 with a stop codon.
Molecular consequence: nonsense.
Genome position (GRCh38, 1-based): chr2:178,575,999, C>T on the plus strand (G>A on the coding strand, the complement: TTN is on the minus strand). VCF-style: chr2-178575999-C-T. GRCh37 (hg19) VCF-style: chr2-179440726-C-T.
Other names: c.65210G>A, p.Trp21737Ter (NM_001256850.1); c.42938G>A, p.Trp14313Ter (NM_003319.4); c.62429G>A, p.Trp20810Ter (NM_133378.4); c.43313G>A, p.Trp14438Ter (NM_133432.3); c.43514G>A, p.Trp14505Ter (NM_133437.4); short protein forms W14438*, W20810*, W14313*, W21737*, W23378*, W14505*.
Identifiers: ClinVar variation 2001552 (VCV002001552.6), dbSNP rs1172742481, ClinGen allele CA349664755.
Genomic context (GRCh38, chr2:178,575,999, plus strand): 5'-GTAAATGATTCCGTATTTTCAATGTTGGCTCGGTTTTTCAGGTTGATGTTATCTTTGGTC[C>T]ATGTCACTTCAGGAGCAGGACGACCTTTAATTGGCACAAATATCCTAATACTGAGTCCTG-3'